The following is an entry in ClinVar:

ClinVar aggregate classification (germline): Uncertain significance (1 of 4 stars; one submission).

Allele frequency attached by ClinVar (database versions not stated): gnomAD 0.00001; ExAC 0.00002; TOPMed 0.00002.
gnomAD v4.1: 20 of 1,614,056 alleles (0.0012%); highest among the groups gnomAD compares: East Asian, 0.0022%; no homozygotes.

Submission:

Labcorp Genetics (formerly Invitae), Labcorp
Classification: Uncertain significance. Last evaluated: 2023-05-23. Review status: criteria provided, single submitter. Criteria: Invitae Variant Classification Sherloc (09022015). Collection method: clinical testing. Allele origin: germline.
Comment: In summary, the available evidence is currently insufficient to determine the role of this variant in disease. Therefore, it has been classified as a Variant of Uncertain Significance. An algorithm developed to predict the effect of missense changes on protein structure and function (PolyPhen-2) suggests that this variant is likely to be disruptive. This variant has not been reported in the literature in individuals affected with KANK4-related conditions. This variant is present in population databases (rs781772189, gnomAD 0.003%). This sequence change replaces arginine, which is basic and polar, with glutamine, which is neutral and polar, at codon 156 of the KANK4 protein (p.Arg156Gln).

NM_181712.5(KANK4):c.467G>A (p.Arg156Gln)

Gene: KANK4 (KN motif and ankyrin repeat domains 4; minus strand). Cytogenetic location: 1p31.3.
Variant type: single nucleotide variant.
Coding change: c.467G>A on transcript NM_181712.5 (MANE Select); coding-DNA position 467, G replaced by A.
Protein change: p.Arg156Gln; replaces arginine 156 with glutamine.
Molecular consequence: missense variant. On other transcripts: intron variant (1).
Genome position (GRCh38, 1-based): chr1:62,274,637, C>T on the plus strand (G>A on the coding strand, the complement: KANK4 is on the minus strand). VCF-style: chr1-62274637-C-T. GRCh37 (hg19) VCF-style: chr1-62740309-C-T.
Other names: c.17-3048G>A (NM_001320269.2); short protein forms R156Q.
Identifiers: ClinVar variation 2990408 (VCV002990408.3), dbSNP rs781772189, ClinGen allele CA884568.